The following is an entry in ClinVar:

NM_000229.2(LCAT):c.997G>A (p.Val333Met)

Gene: LCAT (lecithin-cholesterol acyltransferase; minus strand). Cytogenetic location: 16q22.1.
Variant type: single nucleotide variant.
Coding change: c.997G>A on transcript NM_000229.2 (MANE Select); coding-DNA position 997, G replaced by A.
Protein change: p.Val333Met; replaces valine 333 with methionine.
Molecular consequence: missense variant.
Genome position (GRCh38, 1-based): chr16:67,940,230, C>T on the plus strand (G>A on the coding strand, the complement: LCAT is on the minus strand). VCF-style: chr16-67940230-C-T. GRCh37 (hg19) VCF-style: chr16-67974133-C-T.
Other names: short protein forms V333M.
Identifiers: ClinVar variation 626357 (VCV000626357.3), dbSNP rs776035233, ClinGen allele CA8120920.

ClinVar aggregate classification (germline): Pathogenic (1 of 4 stars; one submission).

Conditions:
LCAT deficiency. Also called: Lecithin Acyltransferase Deficiency. Identifiers: Orphanet 650, Orphanet 79293, MedGen C5779633, MONDO:0018999.

Allele frequency attached by ClinVar (database versions not stated): gnomAD exomes below 0.00001; ExAC 0.00001.
gnomAD v4.1: 1 of 1,613,526 alleles (0.000062%); highest among the groups gnomAD compares: Non-Finnish European, 0.000085%; no homozygotes.

Submission:

Unidad de Genómica Médica UC, Pontificia Universidad Católica de Chile
Classification: Pathogenic for Norum disease. Last evaluated: 2019-04-29. Review status: criteria provided, single submitter. Criteria: ACMG Guidelines, 2015. Collection method: research. Allele origin: germline. Inheritance: Autosomal recessive inheritance. Affected: yes and no. Observed: 4 heterozygotes, 1 compound heterozygote. Clinical features observed: Anemia (HP:0001903), Corneal opacity (HP:0007957), Decreased HDL cholesterol concentration (HP:0003233).
Comment: Sequencing of exons and intron-exon boundaries was performed to identify mutations. Site-directed mutagenesis was carried out to generate plasmids containing cDNA with wild type or mutant sequences. Such expression vectors were transfected to HEK-239T cells to asses the effect of LCAT variants in expression, synthesis, secretion and enzyme activity. In silico prediction analysis and molecular modeling was also used to evaluate the effect of LCAT variants. LCAT protein was detected in proband's plasma, but with undetectable enzyme activity compared to control relatives. HEK-239T transfected cells with vector expression plasmids containing either p.M404V or p.V333M cDNA showed detectable LCAT protein expression both in supernatants and lysates from cultured cells, but with much lower enzyme activity compared to cells transfected with the wild-type sequence. Bioinformatic analyses also supported a causal role of such rare variations in LCAT lack of function. Conclusion: Genetic, biochemical, in vitro and in silico analyses indicate that the rare mutations p.M404V and p.V333M in LCAT gene lead to suppression of LAT enzyme activity and cause clinical features of familial LCAT deficiency.

Literature cited by the submitters: PubMed 31164121.